The following is an entry in ClinVar:

ClinVar aggregate classification (germline): Uncertain significance (1 of 4 stars; one submission).

Conditions:
Transcobalamin II deficiency (TCN2D). Also called: Transcolabamin II deficiency; TC II DEFICIENCY; TCN2 DEFICIENCY. Identifiers: Orphanet 859, MedGen C0342701, MONDO:0010149, OMIM 275350.

Allele frequency attached by ClinVar (database versions not stated): gnomAD exomes below 0.00001.
gnomAD v4.1: 3 of 1,614,140 alleles (0.00019%); highest among the groups gnomAD compares: Non-Finnish European, 0.00025%; no homozygotes.

Submission:

Labcorp Genetics (formerly Invitae), Labcorp
Classification: Uncertain significance for Transcobalamin II deficiency. Last evaluated: 2022-03-19. Review status: criteria provided, single submitter. Criteria: Invitae Variant Classification Sherloc (09022015). Collection method: clinical testing. Allele origin: germline.
Comment: In summary, the available evidence is currently insufficient to determine the role of this variant in disease. Therefore, it has been classified as a Variant of Uncertain Significance. Algorithms developed to predict the effect of missense changes on protein structure and function are either unavailable or do not agree on the potential impact of this missense change (SIFT: "Deleterious"; PolyPhen-2: "Possibly Damaging"; Align-GVGD: "Class C0"). This variant has not been reported in the literature in individuals affected with TCN2-related conditions. This variant is not present in population databases (gnomAD no frequency). This sequence change replaces glycine, which is neutral and non-polar, with cysteine, which is neutral and slightly polar, at codon 189 of the TCN2 protein (p.Gly189Cys).

NM_000355.4(TCN2):c.565G>T (p.Gly189Cys)

Gene: TCN2 (transcobalamin 2; plus strand). Cytogenetic location: 22q12.2.
Variant type: single nucleotide variant.
Coding change: c.565G>T on transcript NM_000355.4 (MANE Select); coding-DNA position 565, G replaced by T.
Protein change: p.Gly189Cys; replaces glycine 189 with cysteine.
Molecular consequence: missense variant.
Genome position (GRCh38, 1-based): chr22:30,614,486, G>T. VCF-style: chr22-30614486-G-T. GRCh37 (hg19) VCF-style: chr22-31010473-G-T.
Other names: c.484G>T, p.Gly162Cys (NM_001184726.2); short protein forms G162C, G189C.
Identifiers: ClinVar variation 2108411 (VCV002108411.4), dbSNP rs776417120, ClinGen allele CA323232731.